The following is an entry in ClinVar:

NM_020708.5(SLC12A5):c.2840C>A (p.Ala947Asp)

Gene: SLC12A5 (solute carrier family 12 member 5; plus strand). Cytogenetic location: 20q13.12.
Variant type: single nucleotide variant.
Coding change: c.2840C>A on transcript NM_020708.5 (MANE Select); coding-DNA position 2840, C replaced by A.
Protein change: p.Ala947Asp; replaces alanine 947 with aspartic acid.
Molecular consequence: missense variant.
Genome position (GRCh38, 1-based): chr20:46,056,202, C>A. VCF-style: chr20-46056202-C-A. GRCh37 (hg19) VCF-style: chr20-44684841-C-A.
Other names: c.2909C>A, p.Ala970Asp (NM_001134771.2); short protein forms A947D, A970D.
Identifiers: ClinVar variation 1419227 (VCV001419227.6), dbSNP rs199934904, ClinGen allele CA409207396.
Genomic context (GRCh38, chr20:46,056,202, plus strand): 5'-CTCCCTAGATCCAGAGTATCACAGATGAGTCACGAGGCTCAATCCGGAGAAAGAATCCAG[C>A]CAACACGCGGCTCCGCCTGAACGTCCCAGAAGAGACGGCTGGTGACAGTGAAGAGAAGCC-3'
Protein context (NP_065759.1, residues 937-957): SRGSIRRKNP[Ala947Asp]NTRLRLNVPE

ClinVar aggregate classification (germline): Uncertain significance (1 of 4 stars; one submission).

Conditions:
Developmental and epileptic encephalopathy, 34 (DEE34). Also called: SLC12A5-Related Epilepsy of Infancy with Migrating Focal Seizures; Early infantile epileptic encephalopathy 34. Identifiers: Orphanet 293181, MedGen C4225257, MONDO:0014718, OMIM 616645.

Submission:

Labcorp Genetics (formerly Invitae), Labcorp
Classification: Uncertain significance for Developmental and epileptic encephalopathy, 34. Last evaluated: 2023-07-21. Review status: criteria provided, single submitter. Criteria: Invitae Variant Classification Sherloc (09022015). Collection method: clinical testing. Allele origin: germline.
Comment: This variant is not present in population databases (gnomAD no frequency). This sequence change replaces alanine, which is neutral and non-polar, with aspartic acid, which is acidic and polar, at codon 947 of the SLC12A5 protein (p.Ala947Asp). This variant has not been reported in the literature in individuals affected with SLC12A5-related conditions. ClinVar contains an entry for this variant (Variation ID: 1419227). Advanced modeling of protein sequence and biophysical properties (such as structural, functional, and spatial information, amino acid conservation, physicochemical variation, residue mobility, and thermodynamic stability) performed at Invitae indicates that this missense variant is not expected to disrupt SLC12A5 protein function. In summary, the available evidence is currently insufficient to determine the role of this variant in disease. Therefore, it has been classified as a Variant of Uncertain Significance.